The following is an entry in ClinVar:

ClinVar aggregate classification (germline): Uncertain significance (1 of 4 stars; one submission).

Submission:

Labcorp Genetics (formerly Invitae), Labcorp
Classification: Uncertain significance. Last evaluated: 2018-05-09. Review status: criteria provided, single submitter. Criteria: Invitae Variant Classification Sherloc (09022015). Collection method: clinical testing. Allele origin: germline.
Comment: In summary, the available evidence is currently insufficient to determine the role of this variant in disease. Therefore, it has been classified as a Variant of Uncertain Significance. Algorithms developed to predict the effect of missense changes on protein structure and function do not agree on the potential impact of this missense change (SIFT: "Deleterious"; PolyPhen-2: "Probably Damaging"; Align-GVGD: "Class C0"). This variant has not been reported in the literature in individuals with XRCC2-related disease. This variant is not present in population databases (ExAC no frequency). This sequence change replaces leucine with methionine at codon 31 of the XRCC2 protein (p.Leu31Met). The leucine residue is highly conserved and there is a small physicochemical difference between leucine and methionine.

NM_005431.2(XRCC2):c.91C>A (p.Leu31Met)

Gene: XRCC2 (X-ray repair cross complementing 2; minus strand). Cytogenetic location: 7q36.1.
Variant type: single nucleotide variant.
Coding change: c.91C>A on transcript NM_005431.2 (MANE Select); coding-DNA position 91, C replaced by A.
Protein change: p.Leu31Met; replaces leucine 31 with methionine.
Molecular consequence: missense variant.
Genome position (GRCh38, 1-based): chr7:152,660,731, G>T on the plus strand (C>A on the coding strand, the complement: XRCC2 is on the minus strand). VCF-style: chr7-152660731-G-T. GRCh37 (hg19) VCF-style: chr7-152357816-G-T.
Other names: short protein forms L31M.
Identifiers: ClinVar variation 1059929 (VCV001059929.9), dbSNP rs748198457, ClinGen allele CA370199456.